The following is an entry in ClinVar:

NM_006267.5(RANBP2):c.6647A>T (p.Glu2216Val)

Gene: RANBP2 (RAN binding protein 2; plus strand). Cytogenetic location: 2q13.
Variant type: single nucleotide variant.
Coding change: c.6647A>T on transcript NM_006267.5 (MANE Select); coding-DNA position 6647, A replaced by T.
Protein change: p.Glu2216Val; replaces glutamic acid 2216 with valine.
Molecular consequence: missense variant.
Genome position (GRCh38, 1-based): chr2:108,767,186, A>T. VCF-style: chr2-108767186-A-T. GRCh37 (hg19) VCF-style: chr2-109383642-A-T.
Other names: short protein forms E2216V.
Identifiers: ClinVar variation 1394274 (VCV001394274.9), dbSNP rs1348403145, ClinGen allele CA348075939.

ClinVar aggregate classification (germline): Uncertain significance (1 of 4 stars; one submission).

Conditions:
Familial acute necrotizing encephalopathy (IIAE3). Also called: ENCEPHALOPATHY, ACUTE, INFECTION-INDUCED, SUSCEPTIBILITY TO, 3; Susceptibility to Acute Necrotizing Encephalopathy 1. Identifiers: Orphanet 88619, MedGen C2675556, MONDO:0011953, OMIM 608033.

Allele frequency attached by ClinVar (database versions not stated): gnomAD exomes below 0.00001.
gnomAD v4.1: 4 of 1,612,064 alleles (0.00025%); highest among the groups gnomAD compares: East Asian, 0.0067%; no homozygotes.

Submission:

Labcorp Genetics (formerly Invitae), Labcorp
Classification: Uncertain significance for Familial acute necrotizing encephalopathy. Last evaluated: 2022-03-23. Review status: criteria provided, single submitter. Criteria: Invitae Variant Classification Sherloc (09022015). Collection method: clinical testing. Allele origin: germline.
Comment: Algorithms developed to predict the effect of missense changes on protein structure and function (SIFT, PolyPhen-2, Align-GVGD) all suggest that this variant is likely to be disruptive. This variant has not been reported in the literature in individuals affected with RANBP2-related conditions. This variant is present in population databases (no rsID available, gnomAD no frequency). This sequence change replaces glutamic acid, which is acidic and polar, with valine, which is neutral and non-polar, at codon 2216 of the RANBP2 protein (p.Glu2216Val). In summary, the available evidence is currently insufficient to determine the role of this variant in disease. Therefore, it has been classified as a Variant of Uncertain Significance.